The following is an entry in ClinVar:

ClinVar aggregate classification (germline): Uncertain significance (1 of 4 stars; one submission).

Conditions:
Cardiovascular phenotype. Identifiers: MedGen CN230736.

Allele frequency attached by ClinVar (database versions not stated): gnomAD 0.00001.
gnomAD v4.1: 9 of 1,613,892 alleles (0.00056%); highest among the groups gnomAD compares: Non-Finnish European, 0.00076%; no homozygotes.

Submission:

Ambry Genetics
Classification: Uncertain significance for Cardiovascular phenotype. Last evaluated: 2022-10-17. Review status: criteria provided, single submitter. Criteria: Ambry Variant Classification Scheme 2023. Collection method: clinical testing. Allele origin: germline.
Comment: The p.R99C variant (also known as c.295C>T), located in coding exon 1 of the KCND3 gene, results from a C to T substitution at nucleotide position 295. The arginine at codon 99 is replaced by cysteine, an amino acid with highly dissimilar properties. This amino acid position is highly conserved in available vertebrate species. In addition, this alteration is predicted to be deleterious by in silico analysis. Since supporting evidence is limited at this time, the clinical significance of this alteration remains unclear.

NM_001378969.1(KCND3):c.295C>T (p.Arg99Cys)

Gene: KCND3 (potassium voltage-gated channel subfamily D member 3; minus strand). Cytogenetic location: 1p13.2.
Variant type: single nucleotide variant.
Coding change: c.295C>T on transcript NM_001378969.1 (MANE Select); coding-DNA position 295, C replaced by T.
Protein change: p.Arg99Cys; replaces arginine 99 with cysteine.
Molecular consequence: missense variant.
Genome position (GRCh38, 1-based): chr1:111,982,432, G>A on the plus strand (C>T on the coding strand, the complement: KCND3 is on the minus strand). VCF-style: chr1-111982432-G-A. GRCh37 (hg19) VCF-style: chr1-112525054-G-A.
Other names: c.295C>T, p.Arg99Cys (NM_001378970.1, NM_004980.5, NM_172198.3); short protein forms R99C.
Identifiers: ClinVar variation 1798152 (VCV001798152.2), dbSNP rs1444134502, ClinGen allele CA341822471.